The following is an entry in ClinVar:

NM_033400.3(ZFHX2):c.4078C>G (p.Gln1360Glu)

Genes: THTPA (thiamine triphosphatase; plus strand), ZFHX2 (zinc finger homeobox 2; minus strand). Cytogenetic location: 14q11.2.
Variant type: single nucleotide variant.
Coding change: c.4078C>G on transcript NM_033400.3 (MANE Select); coding-DNA position 4078, C replaced by G.
Protein change: p.Gln1360Glu; replaces glutamine 1360 with glutamic acid.
Molecular consequence: missense variant.
Genome position (GRCh38, 1-based): chr14:23,525,864, G>C on the plus strand (C>G on the coding strand, the complement: ZFHX2 is on the minus strand). VCF-style: chr14-23525864-G-C. GRCh37 (hg19) VCF-style: chr14-23995073-G-C.
Other names: short protein forms Q1360E.
Identifiers: ClinVar variation 2382564 (VCV002382564.28), dbSNP rs566304076, ClinGen allele CA7116952.

ClinVar aggregate classification (germline): Conflicting classifications of pathogenicity. Review status: criteria provided, conflicting classifications (1 of 4 stars). 3 submissions from 3 submitters: Uncertain significance (1); Benign (1); Likely benign (1). Last evaluated 2026-03-04.

Allele frequency attached by ClinVar (database versions not stated): TOPMed 0.00011; gnomAD 0.00014; 1000 Genomes Project 0.00020; 1000 Genomes Project 30x 0.00031.
gnomAD v4.1: 401 of 1,456,550 alleles (0.028%); highest among the groups gnomAD compares: Middle Eastern, 0.66%; 4 homozygotes.

Submissions (3):

Women's Health and Genetics/Laboratory Corporation of America, LabCorp
Classification: Likely benign. Last evaluated: 2026-03-04. Review status: criteria provided, single submitter. Criteria: LabCorp Variant Classification Summary - May 2015. Collection method: clinical testing. Allele origin: germline.
Comment: Variant summary: ZFHX2 c.4078C>G (p.Gln1360Glu) results in a conservative amino acid change in the encoded protein sequence. Algorithms developed to predict the effect of missense changes on protein structure and function are either unavailable or do not agree on the potential impact of this missense change. The variant allele was found at a frequency of 0.0003 in 70190 control chromosomes, predominantly at a frequency of 0.0027 within the South Asian subpopulation in the gnomAD database, including 1 homozygote. The observed variant frequency within South Asian control individuals in the gnomAD database exceeds the estimated maximal expected allele frequency for disease-causing variants in ZFHX2. To our knowledge, no occurrence of c.4078C>G in individuals affected with ZFHX2-related conditions and no experimental evidence demonstrating its impact on protein function have been reported. ClinVar contains an entry for this variant (Variation ID: 2382564). Based on the evidence outlined above, the variant was classified as likely benign.

Ambry Genetics
Classification: Uncertain significance. Last evaluated: 2024-08-27. Review status: criteria provided, single submitter. Criteria: Ambry Variant Classification Scheme 2023. Collection method: clinical testing. Allele origin: germline.

CeGaT Center for Human Genetics Tuebingen
Classification: Benign. Last evaluated: 2022-12-01. Review status: criteria provided, single submitter. Criteria: CeGaT Center For Human Genetics Tuebingen Variant Classification Criteria Version 2. Collection method: clinical testing. Allele origin: germline. Affected: yes. Observed: 1 variant allele.
Comment: ZFHX2: BS1, BS2